The following is an entry in ClinVar:

NM_182914.3(SYNE2):c.5864T>C (p.Leu1955Pro)

Gene: SYNE2 (spectrin repeat containing nuclear envelope protein 2; plus strand). Cytogenetic location: 14q23.2.
Variant type: single nucleotide variant.
Coding change: c.5864T>C on transcript NM_182914.3 (MANE Select); coding-DNA position 5864, T replaced by C.
Protein change: p.Leu1955Pro; replaces leucine 1955 with proline.
Molecular consequence: missense variant.
Genome position (GRCh38, 1-based): chr14:64,024,935, T>C. VCF-style: chr14-64024935-T-C. GRCh37 (hg19) VCF-style: chr14-64491653-T-C.
Other names: c.5864T>C (NM_182914.2); c.5864T>C, p.Leu1955Pro (NM_015180.6); short protein forms L1955P.
Identifiers: ClinVar variation 1950194 (VCV001950194.6), dbSNP rs1297449668, ClinGen allele CA389944724.

ClinVar aggregate classification (germline): Uncertain significance. Review status: criteria provided, multiple submitters, no conflicts (2 of 4 stars). 2 submissions from 2 submitters: Uncertain significance (2). Last evaluated 2025-08-29.

Conditions:
Emery-Dreifuss muscular dystrophy 5, autosomal dominant (EDMD5). Also called: EMERY-DREIFUSS MUSCULAR DYSTROPHY 5. Identifiers: Orphanet 261, MedGen C2751805, MONDO:0013072, OMIM 612999.

Allele frequency attached by ClinVar (database versions not stated): gnomAD 0.00001; gnomAD exomes 0.00001; TOPMed 0.00002.
gnomAD v4.1: 5 of 1,613,828 alleles (0.00031%); highest among the groups gnomAD compares: Non-Finnish European, 0.00042%; no homozygotes.

Submissions (2):

Ambry Genetics
Classification: Uncertain significance. Last evaluated: 2025-08-29. Review status: criteria provided, single submitter. Criteria: Ambry Variant Classification Scheme 2023. Collection method: clinical testing. Allele origin: germline.

Labcorp Genetics (formerly Invitae), Labcorp
Classification: Uncertain significance for Emery-Dreifuss muscular dystrophy 5, autosomal dominant. Last evaluated: 2025-01-20. Review status: criteria provided, single submitter. Criteria: Invitae Variant Classification Sherloc (09022015). Collection method: clinical testing. Allele origin: germline.
Comment: This sequence change replaces leucine, which is neutral and non-polar, with proline, which is neutral and non-polar, at codon 1955 of the SYNE2 protein (p.Leu1955Pro). This variant is present in population databases (no rsID available, gnomAD 0.0009%). This variant has not been reported in the literature in individuals affected with SYNE2-related conditions. ClinVar contains an entry for this variant (Variation ID: 1950194). An algorithm developed to predict the effect of missense changes on protein structure and function (PolyPhen-2) suggests that this variant is likely to be disruptive. In summary, the available evidence is currently insufficient to determine the role of this variant in disease. Therefore, it has been classified as a Variant of Uncertain Significance.